The following is an entry in ClinVar:

ClinVar aggregate classification (germline): Likely pathogenic (1 of 4 stars; one submission).

Conditions:
Primary ciliary dyskinesia 7. Also called: CILIARY DYSKINESIA, PRIMARY, 7, WITH OR WITHOUT SITUS INVERSUS. Identifiers: Orphanet 244, MedGen C2678473, MONDO:0012748, OMIM 611884.

Allele frequency attached by ClinVar (database versions not stated): gnomAD exomes 0.00001; ExAC 0.00003.

Submission:

Neuberg Centre For Genomic Medicine, NCGM
Classification: Likely pathogenic for Primary ciliary dyskinesia 7. Review status: criteria provided, single submitter. Criteria: ACMG Guidelines, 2015. Collection method: clinical testing. Allele origin: germline. Inheritance: Autosomal recessive inheritance. Affected: yes.
Comment: The stop gained variant c.2956C>T p.Gln986Ter in the DNAH11 gene has not been reported previously as a pathogenic variant nor as a benign variant, to our knowledge. The variant has 0.003% allele frequency in gnomAD Exomes and is novel not in any individuals in 1000 Genomes. This variant is predicted to cause a loss of normal protein function through protein truncation. Loss of function variants has been previously reported to be disease-causing Schwabe et al., 2008. For these reasons, this variant has been classified as Likely Pathogenic.

NM_001277115.2(DNAH11):c.2956C>T (p.Gln986Ter)

Genes: DNAH11 (dynein axonemal heavy chain 11; plus strand), LOC126859961 (BRD4-independent group 4 enhancer GRCh37_chr7:21639662-21640861; plus strand). Cytogenetic location: 7p15.3.
Variant type: single nucleotide variant.
Coding change: c.2956C>T on transcript NM_001277115.2 (MANE Select); coding-DNA position 2956, C replaced by T.
Protein change: p.Gln986Ter; replaces glutamine 986 with a stop codon.
Molecular consequence: nonsense.
Genome position (GRCh38, 1-based): chr7:21,600,075, C>T. VCF-style: chr7-21600075-C-T. GRCh37 (hg19) VCF-style: chr7-21639693-C-T.
Other names: c.2956C>T, p.Gln986Ter (NM_003777.3); short protein forms Q986*.
Identifiers: ClinVar variation 3234932 (VCV003234932.1), dbSNP rs767496764, ClinGen allele CA4179474.